The following is an entry in ClinVar:

NM_013432.5(TONSL):c.3799_3800insT (p.Asp1267fs)

Gene: TONSL (tonsoku like, DNA repair protein; minus strand). Cytogenetic location: 8q24.3.
Variant type: Insertion.
Coding change: c.3799_3800insT on transcript NM_013432.5 (MANE Select); coding-DNA positions 3799 to 3800, T inserted.
Protein change: p.Asp1267fs; shifts the reading frame from aspartic acid 1267.
Molecular consequence: frameshift variant.
Genome position: GRCh38 VCF-style: chr8-144431087-T-TA. GRCh37 (hg19) VCF-style: chr8-145656470-T-TA.
Other names: short protein forms D1267fs.
Identifiers: ClinVar variation 3663392 (VCV003663392.2).

ClinVar aggregate classification (germline): Pathogenic (1 of 4 stars; one submission).

Submission:

Labcorp Genetics (formerly Invitae), Labcorp
Classification: Pathogenic. Last evaluated: 2024-06-30. Review status: criteria provided, single submitter. Criteria: Invitae Variant Classification Sherloc (09022015). Collection method: clinical testing. Allele origin: germline.
Comment: This sequence change creates a premature translational stop signal (p.Asp1267Valfs*22) in the TONSL gene. It is expected to result in an absent or disrupted protein product. Loss-of-function variants in TONSL are known to be pathogenic (PMID: 30773277). This variant is not present in population databases (gnomAD no frequency). This variant has not been reported in the literature in individuals affected with TONSL-related conditions. For these reasons, this variant has been classified as Pathogenic.

Literature cited by the submitters: PubMed 30773277.